The following is an entry in ClinVar:

NM_000408.5(GPD2):c.223A>G (p.Ile75Val)

Gene: GPD2 (glycerol-3-phosphate dehydrogenase 2; plus strand). Cytogenetic location: 2q24.1.
Variant type: single nucleotide variant.
Coding change: c.223A>G on transcript NM_000408.5 (MANE Select); coding-DNA position 223, A replaced by G.
Protein change: p.Ile75Val; replaces isoleucine 75 with valine.
Molecular consequence: missense variant.
Genome position (GRCh38, 1-based): chr2:156,496,164, A>G. VCF-style: chr2-156496164-A-G. GRCh37 (hg19) VCF-style: chr2-157352676-A-G.
Other names: c.223A>G, p.Ile75Val (NM_001083112.3); c.223A>G (NM_001083112.2); short protein forms I75V.
Identifiers: ClinVar variation 3236605 (VCV003236605.20), dbSNP rs145747966, ClinGen allele CA1916575.

ClinVar aggregate classification (germline): Conflicting classifications of pathogenicity. Review status: criteria provided, conflicting classifications (1 of 4 stars). 3 submissions from 3 submitters: Uncertain significance (2); Benign (1). Last evaluated 2025-08-08.

Conditions:
Type 2 diabetes mellitus. Also called: Type II diabetes mellitus. Identifiers: MedGen C0011860, MeSH D003924, MONDO:0005148, OMIM 125853, HP:0005978.

Allele frequency attached by ClinVar (database versions not stated): 1000 Genomes Project 30x 0.00016; 1000 Genomes Project 0.00020; ESP Exome Variant Server 0.00054; TOPMed 0.00076.
gnomAD v4.1: 2,270 of 1,612,832 alleles (0.14%); highest among the groups gnomAD compares: Non-Finnish European, 0.18%; 2 homozygotes.

Submissions (3):

Ambry Genetics
Classification: Uncertain significance. Last evaluated: 2025-08-08. Review status: criteria provided, single submitter. Criteria: Ambry Variant Classification Scheme 2023. Collection method: clinical testing. Allele origin: germline.

CeGaT Center for Human Genetics Tuebingen
Classification: Benign. Last evaluated: 2024-06-01. Review status: criteria provided, single submitter. Criteria: CeGaT Center For Human Genetics Tuebingen Variant Classification Criteria Version 2. Collection method: clinical testing. Allele origin: germline. Affected: yes. Observed: 1 variant allele.
Comment: GPD2: BP4, BS1, BS2

Clinical Genomics Laboratory, Washington University in St. Louis
Classification: Uncertain significance for Type 2 diabetes mellitus. Last evaluated: 2024-02-21. Review status: criteria provided, single submitter. Criteria: ACMG Guidelines, 2015. Collection method: clinical testing. Allele origin: germline.
Comment: The GPD2 c.223A>G (p.Ile75Val) variant, to our knowledge, has not been reported in the medical literature. The highest population minor allele frequency in the population database genome aggregation database (v.2.1.1) is 0.16% in the European non-Finnish population. Computational predictors are uncertain as to the impact of this variant on GPD2 function. Due to limited information, and based on ACMG/AMP guidelines for variant interpretation (Richards S et al., PMID: 25741868), the clinical significance of this variant is uncertain at this time.